The following is an entry in ClinVar:

NM_000431.4(MVK):c.16_34del (p.Leu6fs)

Gene: MVK (mevalonate kinase; plus strand). Cytogenetic location: 12q24.11.
Variant type: Deletion.
Coding change: c.16_34del on transcript NM_000431.4 (MANE Select); coding-DNA positions 16 to 34, 19 bases deleted (CTACTGGTGTCTGCTCCGG).
Protein change: p.Leu6fs; shifts the reading frame from leucine 6.
Molecular consequence: frameshift variant.
Genome position (GRCh38, 1-based): chr12:109,574,838-109,574,856, CTACTGGTGTCTGCTCCGG deleted. VCF-style (leftmost placement, unchanged base first): chr12-109574837-CCTACTGGTGTCTGCTCCGG-C. GRCh37 (hg19) VCF-style: chr12-110012642-CCTACTGGTGTCTGCTCCGG-C.
Other names: c.16_34del, p.Leu6fs (NM_001114185.3, NM_001301182.2); short protein forms L6fs.
Identifiers: ClinVar variation 11935 (VCV000011935.1), dbSNP rs104895334, ClinGen allele CA212930.

ClinVar aggregate classification (germline): Pathogenic. Review status: no assertion criteria provided (0 of 4 stars). 2 submissions from 2 submitters: Pathogenic (1). 1 of the submissions does not count toward it. Last evaluated 2005-03-01.

Conditions:
Mevalonic aciduria (MEVA). Identifiers: Orphanet 29, MedGen C1959626, MONDO:0012481, OMIM 610377.
Hyperimmunoglobulin D with periodic fever (HIDS). Also called: Hyperimmunoglobulinemia D; Hyperimmunoglobulinemia D with periodic fever; HYPERIMMUNOGLOBULINEMIA D AND PERIODIC FEVER SYNDROME. Identifiers: Orphanet 343, MedGen C0398691, MONDO:0009849, OMIM 260920.

Submissions (2):

OMIM
Classification: Pathogenic for MEVALONIC ACIDURIA. Last evaluated: 2005-03-01. Review status: no assertion criteria provided. Collection method: literature only. Allele origin: germline.

Unité médicale des maladies autoinflammatoires, CHRU Montpellier
No classification provided. Condition: Hyperimmunoglobulin D with periodic fever. Review status: no classification provided. Collection method: not provided. Allele origin: unknown. Not counted in ClinVar's aggregate classification.
Comment: also involved in OMIM 25117

Literature cited by the submitters: PubMed 15536479 (cited by OMIM).